The following is an entry in ClinVar:

ClinVar aggregate classification (germline): Conflicting classifications of pathogenicity. Review status: criteria provided, conflicting classifications (1 of 4 stars). 6 submissions from 6 submitters: Uncertain significance (2); Likely benign (2). 2 of the submissions do not count toward it. Last evaluated 2026-01-03.

Conditions:
PKHD1-related disorder. Also called: PKHD1-related condition.
Autosomal recessive polycystic kidney disease (ARPKD). Also called: AR polycystic kidney disease. Identifiers: Orphanet 731, Orphanet 8378, MedGen C0085548, MeSH D017044, MONDO:0009889.

Allele frequency attached by ClinVar (database versions not stated): gnomAD 0.00009 and 0.00010; gnomAD exomes 0.00014 and 0.00020; TOPMed 0.00015; ExAC 0.00017; ESP Exome Variant Server 0.00023.
gnomAD v4.1: 225 of 1,614,120 alleles (0.014%); highest among the groups gnomAD compares: Non-Finnish European, 0.0039%; no homozygotes.

Submissions (6):

Labcorp Genetics (formerly Invitae), Labcorp
Classification: Likely benign for Autosomal recessive polycystic kidney disease. Last evaluated: 2026-01-03. Review status: criteria provided, single submitter. Criteria: Invitae Variant Classification Sherloc (09022015). Collection method: clinical testing. Allele origin: germline.

GeneDx
Classification: Uncertain significance. Last evaluated: 2023-07-10. Review status: criteria provided, single submitter. Criteria: GeneDx Variant Classification Process June 2021. Collection method: clinical testing. Allele origin: germline. Affected: yes.
Comment: Identified in the heterozygous state in a fetus with echogenic kidneys and oligohydramnios in published literature (Shuster et al., 2018); In silico analysis supports that this missense variant does not alter protein structure/function; This variant is associated with the following publications: (PMID: 30287750)

Illumina Laboratory Services, Illumina
Classification: Uncertain significance for Polycystic kidney disease 4. Last evaluated: 2018-01-12. Review status: criteria provided, single submitter. Criteria: ICSL Variant Classification Criteria 13 December 2019. Collection method: clinical testing. Allele origin: germline.

Eurofins Ntd Llc (ga)
Classification: Likely benign. Last evaluated: 2017-12-06. Review status: criteria provided, single submitter. Criteria: EGL Classification Definitions 2015. Collection method: clinical testing. Allele origin: germline. Observed: 2 variant alleles, 2 heterozygotes.

PreventionGenetics, part of Exact Sciences
Classification: Likely benign for PKHD1-related condition. Last evaluated: 2022-10-04. Review status: no assertion criteria provided. Collection method: clinical testing. Allele origin: germline. Not counted in ClinVar's aggregate classification.
Comment: This variant is classified as likely benign based on ACMG/AMP sequence variant interpretation guidelines (Richards et al. 2015 PMID: 25741868, with internal and published modifications).

Natera, Inc.
Classification: Uncertain significance for Autosomal recessive polycystic kidney disease. Last evaluated: 2019-07-02. Review status: no assertion criteria provided. Collection method: clinical testing. Allele origin: germline. Not counted in ClinVar's aggregate classification.

NM_138694.4(PKHD1):c.2162C>T (p.Thr721Met)

Gene: PKHD1 (PKHD1 ciliary IPT domain containing fibrocystin/polyductin; minus strand). Cytogenetic location: 6p12.2.
Variant type: single nucleotide variant.
Coding change: c.2162C>T on transcript NM_138694.4 (MANE Select); coding-DNA position 2162, C replaced by T.
Protein change: p.Thr721Met; replaces threonine 721 with methionine.
Molecular consequence: missense variant.
Genome position (GRCh38, 1-based): chr6:52,050,274, G>A on the plus strand (C>T on the coding strand, the complement: PKHD1 is on the minus strand). VCF-style: chr6-52050274-G-A. GRCh37 (hg19) VCF-style: chr6-51915072-G-A.
Other names: c.2162C>T, p.Thr721Met (NM_170724.3); short protein forms T721M.
Identifiers: ClinVar variation 501349 (VCV000501349.24), dbSNP rs140608845, ClinGen allele CA3853314.